The following is an entry in ClinVar:

NM_005901.6(SMAD2):c.1019A>T (p.Tyr340Phe)

Gene: SMAD2 (SMAD family member 2; minus strand). Cytogenetic location: 18q21.1.
Variant type: single nucleotide variant.
Coding change: c.1019A>T on transcript NM_005901.6 (MANE Select); coding-DNA position 1019, A replaced by T.
Protein change: p.Tyr340Phe; replaces tyrosine 340 with phenylalanine.
Molecular consequence: missense variant.
Genome position (GRCh38, 1-based): chr18:47,845,779, T>A on the plus strand (A>T on the coding strand, the complement: SMAD2 is on the minus strand). VCF-style: chr18-47845779-T-A. GRCh37 (hg19) VCF-style: chr18-45372150-T-A.
Other names: c.1019A>T, p.Tyr340Phe (NM_001003652.4); c.929A>T, p.Tyr310Phe (NM_001135937.3); short protein forms Y310F, Y340F.
Identifiers: ClinVar variation 4743104 (VCV004743104.1).
Genomic context (GRCh38, chr18:47,845,779, plus strand): 5'-GGGCTCTGCACAAAGATTGCACTATCACTTAGGCACTCAGCAAAAACTTCCCCACCTATG[T>A]AGTATAAGCGCACTCCTCTTCCTGAAACAAAATACAAATGAGATTAGTTTTGTAACATTT-3'
Protein context (NP_005892.1, residues 330-350): RHIGRGVRLY[Tyr340Phe]IGGEVFAECL

ClinVar aggregate classification (germline): Uncertain significance (1 of 4 stars; one submission).

Submission:

Labcorp Genetics (formerly Invitae), Labcorp
Classification: Uncertain significance. Last evaluated: 2025-02-23. Review status: criteria provided, single submitter. Criteria: Invitae Variant Classification Sherloc (09022015). Collection method: clinical testing. Allele origin: germline.
Comment: This sequence change replaces tyrosine, which is neutral and polar, with phenylalanine, which is neutral and non-polar, at codon 340 of the SMAD2 protein (p.Tyr340Phe). This variant is not present in population databases (gnomAD no frequency). This variant has not been reported in the literature in individuals affected with SMAD2-related conditions. Invitae Evidence Modeling of protein sequence and biophysical properties (such as structural, functional, and spatial information, amino acid conservation, physicochemical variation, residue mobility, and thermodynamic stability) indicates that this missense variant is expected to disrupt SMAD2 protein function with a positive predictive value of 80%. In summary, the available evidence is currently insufficient to determine the role of this variant in disease. Therefore, it has been classified as a Variant of Uncertain Significance.